The following is an entry in ClinVar:

NM_016616.5(NME8):c.706C>T (p.Pro236Ser)

Gene: NME8 (NME/NM23 family member 8; plus strand). Cytogenetic location: 7p14.1.
Variant type: single nucleotide variant.
Coding change: c.706C>T on transcript NM_016616.5 (MANE Select); coding-DNA position 706, C replaced by T.
Protein change: p.Pro236Ser; replaces proline 236 with serine.
Molecular consequence: missense variant.
Genome position (GRCh38, 1-based): chr7:37,867,786, C>T. VCF-style: chr7-37867786-C-T. GRCh37 (hg19) VCF-style: chr7-37907388-C-T.
Other names: c.706C>T (NM_016616.4); short protein forms P236S.
Identifiers: ClinVar variation 1037079 (VCV001037079.10), dbSNP rs747458162, ClinGen allele CA157156459.

ClinVar aggregate classification (germline): Uncertain significance. Review status: criteria provided, multiple submitters, no conflicts (2 of 4 stars). 2 submissions from 2 submitters: Uncertain significance (2). Last evaluated 2023-05-04.

Conditions:
Primary ciliary dyskinesia 6. Also called: Primary Ciliary Dyskinesia 6: TXNDC3-Related Primary Ciliary Dyskinesia. Identifiers: Orphanet 244, MedGen C1970506, MONDO:0012571, OMIM 610852.
Primary ciliary dyskinesia. Also called: Ciliary dyskinesia. Identifiers: Orphanet 244, MedGen C0008780, MONDO:0016575, HP:0012265.

Allele frequency attached by ClinVar (database versions not stated): gnomAD 0.00001; gnomAD exomes 0.00001 and 0.00008; TOPMed 0.00001.
gnomAD v4.1: 113 of 1,613,606 alleles (0.007%); highest among the groups gnomAD compares: Non-Finnish European, 0.0094%; no homozygotes.

Submissions (2):

Ambry Genetics
Classification: Uncertain significance for Primary ciliary dyskinesia. Last evaluated: 2023-05-04. Review status: criteria provided, single submitter. Criteria: Ambry Variant Classification Scheme 2023. Collection method: clinical testing. Allele origin: germline.

Labcorp Genetics (formerly Invitae), Labcorp
Classification: Uncertain significance for Primary ciliary dyskinesia 6. Last evaluated: 2020-09-08. Review status: criteria provided, single submitter. Criteria: Invitae Variant Classification Sherloc (09022015). Collection method: clinical testing. Allele origin: germline.
Comment: This sequence change replaces proline with serine at codon 236 of the NME8 protein (p.Pro236Ser). The proline residue is weakly conserved and there is a moderate physicochemical difference between proline and serine. This variant is not present in population databases (ExAC no frequency). This variant has not been reported in the literature in individuals with NME8-related conditions. Algorithms developed to predict the effect of missense changes on protein structure and function output the following: SIFT: "Tolerated"; PolyPhen-2: "Benign"; Align-GVGD: "Class C0". The serine amino acid residue is found in multiple mammalian species, suggesting that this missense change does not adversely affect protein function. These predictions have not been confirmed by published functional studies and their clinical significance is uncertain. In summary, the available evidence is currently insufficient to determine the role of this variant in disease. Therefore, it has been classified as a Variant of Uncertain Significance.